The following is an entry in ClinVar:

NM_000059.4(BRCA2):c.5668A>G (p.Met1890Val)

Gene: BRCA2 (BRCA2 DNA repair associated; plus strand). Cytogenetic location: 13q13.1.
Variant type: single nucleotide variant.
Coding change: c.5668A>G on transcript NM_000059.4 (MANE Select); coding-DNA position 5668, A replaced by G.
Protein change: p.Met1890Val; replaces methionine 1890 with valine.
Molecular consequence: missense variant.
Genome position (GRCh38, 1-based): chr13:32,340,023, A>G. VCF-style: chr13-32340023-A-G. GRCh37 (hg19) VCF-style: chr13-32914160-A-G.
Other names: short protein forms M1890V.
Identifiers: ClinVar variation 51906 (VCV000051906.18), dbSNP rs80358793, ClinGen allele CA022911.
Genomic context (GRCh38, chr13:32,340,023, plus strand): 5'-TTCAGTAAAGTAATTAAGGAAAACAACGAGAATAAATCAAAAATTTGCCAAACGAAAATT[A>G]TGGCAGGTTGTTACGAGGCATTGGATGATTCAGAGGATATTCTTCATAACTCTCTAGATA-3'
Protein context (NP_000050.3, residues 1880-1900): NKSKICQTKI[Met1890Val]AGCYEALDDS

ClinVar aggregate classification (germline): Conflicting classifications of pathogenicity. Review status: criteria provided, conflicting classifications (1 of 4 stars). 8 submissions from 8 submitters: Uncertain significance (3); Likely benign (3). 2 of the submissions do not count toward it. Last evaluated 2025-05-29.

Conditions:
Hereditary cancer-predisposing syndrome. Also called: Neoplastic Syndromes, Hereditary; Tumor predisposition; Hereditary neoplastic syndrome; Hereditary Cancer Syndrome. Identifiers: Orphanet 140162, MedGen C0027672, MeSH D009386, MONDO:0015356.
Hereditary breast ovarian cancer syndrome. Also called: Hereditary breast and ovarian cancer syndrome; Hereditary breast and ovarian cancer; Hereditary breast and ovarian cancer syndrome (HBOC); Breast and ovarian cancer; Hereditary breast and/or ovarian cancer syndrome; BRCA1- and BRCA2-Associated Hereditary Breast and Ovarian Cancer. Identifiers: Orphanet 145, MedGen C0677776, MeSH D061325, MONDO:0003582. Disease mechanism: loss of function.
Breast-ovarian cancer, familial, susceptibility to, 2 (BROVCA2). Also called: BRCA2 Hereditary Breast and Ovarian Cancer. Identifiers: Orphanet 145, MedGen C2675520, MONDO:0012933, OMIM 612555. Disease mechanism: loss of function.

Allele frequency attached by ClinVar (database versions not stated): gnomAD exomes below 0.00001 and 0.00002; TOPMed below 0.00001; ExAC 0.00001.

Submissions (8):

ARUP Laboratories, Molecular Genetics and Genomics, ARUP Laboratories
Classification: Likely benign. Last evaluated: 2025-05-29. Review status: criteria provided, single submitter. Criteria: ARUP Molecular Germline Variant Investigation Process 2024. Collection method: clinical testing. Allele origin: germline.

Labcorp Genetics (formerly Invitae), Labcorp
Classification: Uncertain significance for Hereditary breast ovarian cancer syndrome. Last evaluated: 2025-04-30. Review status: criteria provided, single submitter. Criteria: Invitae Variant Classification Sherloc (09022015). Collection method: clinical testing. Allele origin: germline.
Comment: This sequence change replaces methionine, which is neutral and non-polar, with valine, which is neutral and non-polar, at codon 1890 of the BRCA2 protein (p.Met1890Val). The frequency data for this variant in the population databases is considered unreliable, as metrics indicate poor data quality at this position in the gnomAD database. This missense change has been observed in individual(s) with breast cancer and/or ovarian cancer (PMID: 20104584, 34178674). This variant is also known as c.5896A>G. ClinVar contains an entry for this variant (Variation ID: 51906). Invitae Evidence Modeling of protein sequence and biophysical properties (such as structural, functional, and spatial information, amino acid conservation, physicochemical variation, residue mobility, and thermodynamic stability) indicates that this missense variant is not expected to disrupt BRCA2 protein function with a negative predictive value of 95%. In summary, the available evidence is currently insufficient to determine the role of this variant in disease. Therefore, it has been classified as a Variant of Uncertain Significance.

Color Diagnostics, LLC DBA Color Health
Classification: Uncertain significance for Hereditary cancer-predisposing syndrome. Last evaluated: 2023-07-26. Review status: criteria provided, single submitter. Criteria: ACMG Guidelines, 2015. Collection method: clinical testing. Allele origin: germline.
Comment: This missense variant replaces methionine with valine at codon 1890 of the BRCA2 protein. Computational prediction suggests that this variant may not impact protein structure and function (internally defined REVEL score threshold <= 0.5, PMID: 27666373). To our knowledge, functional studies have not been reported for this variant. This variant has been reported in an individual affected with breast cancer (PMID: 20104584), an individual affected with ovarian cancer (PMID: 36169650), and in a multifactorial analysis with co-occurrence and family history likelihood ratios for pathogenicity of 1.0498 and 0.7136, respectively (PMID: 31131967). This variant has been identified in 1/249602 chromosomes in the general population by the Genome Aggregation Database (gnomAD). The available evidence is insufficient to determine the role of this variant in disease conclusively. Therefore, this variant is classified as a Variant of Uncertain Significance.

University of Washington Department of Laboratory Medicine, University of Washington
Classification: Likely benign for Hereditary cancer-predisposing syndrome. Last evaluated: 2023-03-23. Review status: criteria provided, single submitter. Criteria: Dines et al. (Genet Med. 2020). Collection method: curation. Allele origin: germline.
Comment: Missense variant in a coldspot region where missense variants are very unlikely to be pathogenic (PMID:31911673).

BRCA2 exon 11 coldspot. Reclassification based on statistical prior probability.

Ambry Genetics
Classification: Likely benign for Hereditary cancer-predisposing syndrome. Last evaluated: 2019-02-01. Review status: criteria provided, single submitter. Criteria: Ambry Variant Classification Scheme 2023. Collection method: clinical testing. Allele origin: germline.

Women's Health and Genetics/Laboratory Corporation of America, LabCorp
Classification: Uncertain significance. Last evaluated: 2018-04-06. Review status: criteria provided, single submitter. Criteria: LabCorp Variant Classification Summary - May 2015. Collection method: clinical testing. Allele origin: germline.
Comment: Variant summary: BRCA2 c.5668A>G (p.Met1890Val) results in a conservative amino acid change in the encoded protein sequence. Five of five in-silico tools predict a benign effect of the variant on protein function. The variant allele was found at a frequency of 8.3e-06 in 120474 control chromosomes. The available data on variant occurrences in the general population are insufficient to allow any conclusion about variant significance. c.5668A>G has been reported in the literature in individuals affected with Hereditary Breast and Ovarian Cancer. These reports do not provide unequivocal conclusions about association of the variant with Hereditary Breast and Ovarian Cancer. To our knowledge, no experimental evidence demonstrating an impact on protein function has been reported. No clinical diagnostic laboratories have submitted clinical-significance assessments for this variant to ClinVar after 2014, and one before 2014 classified the variant as uncertain significance. Based on the evidence outlined above, the variant was classified as uncertain significance.

Counsyl
Classification: Uncertain significance for Breast-ovarian cancer, familial, susceptibility to, 2. Last evaluated: 2017-11-27. Review status: no assertion criteria provided. Collection method: clinical testing. Allele origin: unknown. Not counted in ClinVar's aggregate classification.

Breast Cancer Information Core (BIC) (BRCA2)
Classification: Uncertain significance for Breast-ovarian cancer, familial 2. Last evaluated: 2004-02-20. Review status: no assertion criteria provided. Collection method: clinical testing. Allele origin: germline. Affected: yes. Observed: 1 variant allele. Not counted in ClinVar's aggregate classification.

Literature cited by the submitters: PubMed 20104584 (cited by 5 submitters); PubMed 34178674 (cited by Labcorp Genetics (formerly Invitae), Labcorp); PubMed 31131967 (cited by Color Diagnostics, LLC DBA Color Health); PubMed 36169650 (cited by Color Diagnostics, LLC DBA Color Health); PubMed 21520273 (cited by Women's Health and Genetics/Laboratory Corporation of America, LabCorp).